The following is an entry in ClinVar:

NM_000384.3(APOB):c.12200T>C (p.Leu4067Pro)

Gene: APOB (apolipoprotein B; minus strand). Cytogenetic location: 2p24.1.
Variant type: single nucleotide variant.
Coding change: c.12200T>C on transcript NM_000384.3 (MANE Select); coding-DNA position 12200, T replaced by C.
Protein change: p.Leu4067Pro; replaces leucine 4067 with proline.
Molecular consequence: missense variant.
Genome position (GRCh38, 1-based): chr2:21,003,222, A>G on the plus strand (T>C on the coding strand, the complement: APOB is on the minus strand). VCF-style: chr2-21003222-A-G. GRCh37 (hg19) VCF-style: chr2-21226094-A-G.
Other names: short protein forms L4067P.
Identifiers: ClinVar variation 928082 (VCV000928082.6), dbSNP rs1165268481, ClinGen allele CA345972235.
Genomic context (GRCh38, chr2:21,003,222, plus strand): 5'-TTGTTGACATAATCATAAAGGACCCCTGTGGCCTTGGGCACGTTGTCTTTCAGAGAGGTT[A>G]GCAAGCCAGAAGCTGCCTCTTCTTCCCAATTAACTTTGATCTGAGTTTCCTCATCAGATT-3'
Protein context (NP_000375.3, residues 4057-4077): NWEEEAASGL[Leu4067Pro]TSLKDNVPKA

ClinVar aggregate classification (germline): Uncertain significance. Review status: criteria provided, multiple submitters, no conflicts (2 of 4 stars). 2 submissions from 2 submitters: Uncertain significance (2). Last evaluated 2025-05-06.

Conditions:
Cardiovascular phenotype. Identifiers: MedGen CN230736.

Allele frequency attached by ClinVar (database versions not stated): gnomAD 0.00001; TOPMed below 0.00001.
gnomAD v4.1: 1 of 1,613,978 alleles (0.000062%); highest among the groups gnomAD compares: Non-Finnish European, 0.000085%; no homozygotes.

Submissions (2):

GeneDx
Classification: Uncertain significance. Last evaluated: 2025-05-06. Review status: criteria provided, single submitter. Criteria: GeneDx Variant Classification Process June 2021. Collection method: clinical testing. Allele origin: germline. Affected: yes.
Comment: Not observed at significant frequency in large population cohorts (gnomAD); In silico analysis supports that this missense variant has a deleterious effect on protein structure/function; Has not been previously published as pathogenic or benign to our knowledge

Ambry Genetics
Classification: Uncertain significance for Cardiovascular phenotype. Last evaluated: 2025-04-21. Review status: criteria provided, single submitter. Criteria: Ambry Variant Classification Scheme 2023. Collection method: clinical testing. Allele origin: germline.